The following is an entry in ClinVar:

NM_004415.4(DSP):c.4994G>C (p.Arg1665Thr)

Gene: DSP (desmoplakin; plus strand). Cytogenetic location: 6p24.3.
Variant type: single nucleotide variant.
Coding change: c.4994G>C on transcript NM_004415.4 (MANE Select); coding-DNA position 4994, G replaced by C.
Protein change: p.Arg1665Thr; replaces arginine 1665 with threonine.
Molecular consequence: missense variant. On other transcripts: intron variant (2).
Genome position (GRCh38, 1-based): chr6:7,581,184, G>C. VCF-style: chr6-7581184-G-C. GRCh37 (hg19) VCF-style: chr6-7581417-G-C.
Other names: c.4994G>C (LRG_423t1); c.4050+944G>C (NM_001319034.2); c.3582+1412G>C (NM_001008844.3); short protein forms R1665T.
Identifiers: ClinVar variation 647823 (VCV000647823.13), dbSNP rs1290867734, ClinGen allele CA362687609.
Genomic context (GRCh38, chr6:7,581,184, plus strand): 5'-GGGAAAAGCAGAGGACCCAGGAAGAGCTGAGGAGGCTCTCTTCTGAGGTCGAGGCCCTGA[G>C]GCGGCAGTTACTCCAGGAACAGGAAAGTGTCAAACAAGCTCACTTGAGGAATGAGCATTT-3'
Protein context (NP_004406.2, residues 1655-1675): RRLSSEVEAL[Arg1665Thr]RQLLQEQESV

ClinVar aggregate classification (germline): Conflicting classifications of pathogenicity. Review status: criteria provided, conflicting classifications (1 of 4 stars). 3 submissions from 3 submitters: Uncertain significance (2); Likely benign (1). Last evaluated 2025-11-13.

Conditions:
Cardiovascular phenotype. Identifiers: MedGen CN230736.
Arrhythmogenic right ventricular dysplasia 8 (ARVD8). Also called: Arrhythmogenic Right Ventricular Dysplasia/Cardiomyopathy 8; ARRHYTHMOGENIC RIGHT VENTRICULAR DYSPLASIA, FAMILIAL, 8; ARRHYTHMOGENIC RIGHT VENTRICULAR CARDIOMYOPATHY 8. Identifiers: MedGen C1843896, MONDO:0011831, OMIM 607450.
Arrhythmogenic cardiomyopathy with wooly hair and keratoderma. Also called: Dilated cardiomyopathy with woolly hair and keratoderma; Arrhythmogenic cardiomyopathy with woolly hair and keratoderma; Carvajal syndrome; PALMOPLANTAR KERATODERMA WITH LEFT VENTRICULAR CARDIOMYOPATHY AND WOOLLY HAIR. Identifiers: Orphanet 65282, MedGen C1854063, MONDO:0011581, OMIM 605676.

Allele frequency attached by ClinVar (database versions not stated): gnomAD exomes below 0.00001; TOPMed 0.00001.
gnomAD v4.1: 4 of 1,614,200 alleles (0.00025%); highest among the groups gnomAD compares: African/African-American, 0.0027%; no homozygotes.

Submissions (3):

Labcorp Genetics (formerly Invitae), Labcorp
Classification: Likely benign for Arrhythmogenic cardiomyopathy with wooly hair and keratoderma; Arrhythmogenic right ventricular dysplasia 8. Last evaluated: 2025-11-13. Review status: criteria provided, single submitter. Criteria: Invitae Variant Classification Sherloc (09022015). Collection method: clinical testing. Allele origin: germline.

Ambry Genetics
Classification: Uncertain significance for Cardiovascular phenotype. Last evaluated: 2025-01-31. Review status: criteria provided, single submitter. Criteria: Ambry Variant Classification Scheme 2023. Collection method: clinical testing. Allele origin: germline.
Comment: The p.R1665T variant (also known as c.4994G>C), located in coding exon 23 of the DSP gene, results from a G to C substitution at nucleotide position 4994. The arginine at codon 1665 is replaced by threonine, an amino acid with similar properties. This amino acid position is conserved. In addition, this alteration is predicted to be tolerated by in silico analysis. Since supporting evidence is limited at this time, the clinical significance of this alteration remains unclear.

All of Us Research Program, National Institutes of Health
Classification: Uncertain significance for Arrhythmogenic cardiomyopathy with wooly hair and keratoderma. Last evaluated: 2024-08-13. Review status: criteria provided, single submitter. Criteria: ACMG Guidelines, 2015. Collection method: clinical testing. Allele origin: germline. Inheritance: Autosomal dominant inheritance. Observed: 1 variant allele, 1 heterozygote.
Comment: This missense variant replaces arginine with threonine at codon 1665 of the DSP protein. Computational prediction suggests that this variant may not impact protein structure and function (internally defined REVEL score threshold <= 0.5, PMID: 27666373). To our knowledge, functional studies have not been reported for this variant. This variant has not been reported in individuals affected with DSP-related disorders in the literature. This variant has been identified in 1/250688 chromosomes in the general population by the Genome Aggregation Database (gnomAD). The available evidence is insufficient to determine the role of this variant in disease conclusively. Therefore, this variant is classified as a Variant of Uncertain Significance.

This study involves interpretation of variants in research participants for the purpose of population health screening. Participant phenotype was not available at the time of variant classification. Additional details can be found in publication PMID: 35346344, PMCID: PMC8962531